The following is an entry in ClinVar:

NM_001081.4(CUBN):c.9061G>A (p.Glu3021Lys)

Gene: CUBN (cubilin; minus strand). Cytogenetic location: 10p13.
Variant type: single nucleotide variant.
Coding change: c.9061G>A on transcript NM_001081.4 (MANE Select); coding-DNA position 9061, G replaced by A.
Protein change: p.Glu3021Lys; replaces glutamic acid 3021 with lysine.
Molecular consequence: missense variant.
Genome position (GRCh38, 1-based): chr10:16,876,942, C>T on the plus strand (G>A on the coding strand, the complement: CUBN is on the minus strand). VCF-style: chr10-16876942-C-T. GRCh37 (hg19) VCF-style: chr10-16918941-C-T.
Other names: short protein forms E3021K.
Identifiers: ClinVar variation 299384 (VCV000299384.12), dbSNP rs41289299, ClinGen allele CA5422827.

ClinVar aggregate classification (germline): Conflicting classifications of pathogenicity. Review status: criteria provided, conflicting classifications (1 of 4 stars). 4 submissions from 4 submitters: Uncertain significance (3); Likely benign (1). Last evaluated 2024-03-21.

Conditions:
Imerslund-Grasbeck syndrome. Also called: Megaloblastic anemia due to inborn errors of metabolism; Imerslund-Gräsbeck syndrome; ENTEROCYTE COBALAMIN MALABSORPTION; ENTEROCYTE INTRINSIC FACTOR RECEPTOR, DEFECT OF; PERNICIOUS ANEMIA, JUVENILE, DUE TO SELECTIVE INTESTINAL MALABSORPTION OF VITAMIN B12, WITH PROTEINURIA. Identifiers: Orphanet 35858, MedGen C4551825, MONDO:0009853.
Proteinuria, chronic benign. Identifiers: MedGen C5394384, MONDO:0030042, OMIM 618884.
Imerslund-Grasbeck syndrome type 1 (IGS1). Also called: Megaloblastic anemia 1, Finnish type; MEGALOBLASTIC ANEMIA, 1; Imerslund-Gräsbeck syndrome 1. Identifiers: MedGen C4016819, MONDO:0100156, OMIM 261100.
Inborn genetic diseases. Identifiers: MedGen C0950123, MeSH D030342.

Allele frequency attached by ClinVar (database versions not stated): gnomAD exomes 0.00028 and 0.00062; gnomAD 0.00038 and 0.00041; ESP Exome Variant Server 0.00069; 1000 Genomes Project 30x 0.00016; TOPMed 0.00042; ExAC 0.00034.
gnomAD v4.1: 928 of 1,614,084 alleles (0.057%); highest among the groups gnomAD compares: Non-Finnish European, 0.076%; no homozygotes.

Submissions (4):

Fulgent Genetics
Classification: Uncertain significance for Imerslund-Grasbeck syndrome type 1; Proteinuria, chronic benign. Last evaluated: 2024-03-21. Review status: criteria provided, single submitter. Criteria: ACMG Guidelines, 2015. Collection method: clinical testing. Allele origin: germline.

Ambry Genetics
Classification: Likely benign for Inborn genetic diseases. Last evaluated: 2021-10-14. Review status: criteria provided, single submitter. Criteria: Ambry Variant Classification Scheme 2023. Collection method: clinical testing. Allele origin: germline.

Labcorp Genetics (formerly Invitae), Labcorp
Classification: Uncertain significance for Imerslund-Grasbeck syndrome. Last evaluated: 2021-09-08. Review status: criteria provided, single submitter. Criteria: Invitae Variant Classification Sherloc (09022015). Collection method: clinical testing. Allele origin: germline.
Comment: This sequence change replaces glutamic acid with lysine at codon 3021 of the CUBN protein (p.Glu3021Lys). The glutamic acid residue is weakly conserved and there is a small physicochemical difference between glutamic acid and lysine. This variant is present in population databases (rs41289299, ExAC 0.07%). This variant has not been reported in the literature in individuals affected with CUBN-related conditions. ClinVar contains an entry for this variant (Variation ID: 299384). Algorithms developed to predict the effect of missense changes on protein structure and function output the following: SIFT: "Tolerated"; PolyPhen-2: "Benign"; Align-GVGD: "Class C0". The lysine amino acid residue is found in multiple mammalian species, which suggests that this missense change does not adversely affect protein function. In summary, the available evidence is currently insufficient to determine the role of this variant in disease. Therefore, it has been classified as a Variant of Uncertain Significance.

Illumina Laboratory Services, Illumina
Classification: Uncertain significance for Imerslund-Grasbeck syndrome type 1. Last evaluated: 2018-01-13. Review status: criteria provided, single submitter. Criteria: ICSL Variant Classification Criteria 13 December 2019. Collection method: clinical testing. Allele origin: germline.